The following is an entry in ClinVar:

ClinVar aggregate classification (germline): Pathogenic (1 of 4 stars; one submission).

Conditions:
Intellectual disability-facial dysmorphism syndrome due to SETD5 haploinsufficiency (MRD23). Also called: Intellectual developmental disorder, autosomal dominant 23. Identifiers: Orphanet 404440, MedGen C3810406, MONDO:0014336, OMIM 615761.

Submission:

Center for Human Genetics and Genomic Medicine, Uniklinik Rwth Aachen
Classification: Pathogenic for Intellectual disability-facial dysmorphism syndrome due to SETD5 haploinsufficiency. Last evaluated: 2026-10-02. Review status: criteria provided, single submitter. Criteria: ACMG Guidelines, 2015. Collection method: clinical testing. Allele origin: de novo. Inheritance: Autosomal dominant inheritance. Affected: yes. Observed: 1 variant allele, 1 heterozygote.
Comment: This variant has not previously been reported in the literature or the ClinVar database. It has not been detected in the general population (gnomAD v4.1.1) to date (PM2_Supporting). The variant results in a frameshift followed by a stop codon. This typically leads to either premature termination of translation or nonsense-mediated mRNA decay. In both cases, a loss of protein function occurs (loss-of-function" PVS1). Haploinsufficiency intolerance has been described as the pathomechanism for the SETD5 gene.

NM_001080517.3(SETD5):c.2003C>A (p.Ser668Ter)

Gene: SETD5 (SET domain containing 5; plus strand). Cytogenetic location: 3p25.3.
Variant type: single nucleotide variant.
Coding change: c.2003C>A on transcript NM_001080517.3 (MANE Select); coding-DNA position 2003, C replaced by A.
Protein change: p.Ser668Ter; replaces serine 668 with a stop codon.
Molecular consequence: nonsense.
Genome position (GRCh38, 1-based): chr3:9,447,906, C>A. VCF-style: chr3-9447906-C-A. GRCh37 (hg19) VCF-style: chr3-9489590-C-A.
Other names: c.1709C>A, p.Ser570Ter (NM_001292043.2, NM_001349451.2); c.2099C>A, p.Ser700Ter (NM_001437633.1); c.2060C>A, p.Ser687Ter (NM_001437635.1); c.2003C>A, p.Ser668Ter (NM_001437643.1); c.2042C>A, p.Ser681Ter (NM_001437701.1); short protein forms S570*, S668*, S681*, S687*, S700*.
Identifiers: ClinVar variation 5037956 (VCV005037956.1).